The following is an entry in ClinVar:

ClinVar aggregate classification (germline): Uncertain significance (1 of 4 stars; one submission).

Conditions:
Emery-Dreifuss muscular dystrophy 5, autosomal dominant (EDMD5). Also called: EMERY-DREIFUSS MUSCULAR DYSTROPHY 5. Identifiers: Orphanet 261, MedGen C2751805, MONDO:0013072, OMIM 612999.

Allele frequency attached by ClinVar (database versions not stated): gnomAD exomes below 0.00001 and 0.00001; TOPMed 0.00003; gnomAD 0.00006 and 0.00008.
gnomAD v4.1: 24 of 1,613,980 alleles (0.0015%); highest among the groups gnomAD compares: Admixed American, 0.033%; no homozygotes.

Submission:

Labcorp Genetics (formerly Invitae), Labcorp
Classification: Uncertain significance for Emery-Dreifuss muscular dystrophy 5, autosomal dominant. Last evaluated: 2026-01-09. Review status: criteria provided, single submitter. Criteria: Invitae Variant Classification Sherloc (09022015). Collection method: clinical testing. Allele origin: germline.
Comment: This sequence change replaces serine, which is neutral and polar, with asparagine, which is neutral and polar, at codon 6384 of the SYNE2 protein (p.Ser6384Asn). This variant is present in population databases (no rsID available, gnomAD 0.003%). This variant has not been reported in the literature in individuals affected with SYNE2-related conditions. ClinVar contains an entry for this variant (Variation ID: 943650). An algorithm developed to predict the effect of missense changes on protein structure and function outputs the following: PolyPhen-2: "Benign". The asparagine amino acid residue is found in multiple mammalian species, which suggests that this missense change does not adversely affect protein function. In summary, the available evidence is currently insufficient to determine the role of this variant in disease. Therefore, it has been classified as a Variant of Uncertain Significance.

NM_182914.3(SYNE2):c.19151G>A (p.Ser6384Asn)

Gene: SYNE2 (spectrin repeat containing nuclear envelope protein 2; plus strand). Cytogenetic location: 14q23.2.
Variant type: single nucleotide variant.
Coding change: c.19151G>A on transcript NM_182914.3 (MANE Select); coding-DNA position 19151, G replaced by A.
Protein change: p.Ser6384Asn; replaces serine 6384 with asparagine.
Molecular consequence: missense variant.
Genome position (GRCh38, 1-based): chr14:64,214,288, G>A. VCF-style: chr14-64214288-G-A. GRCh37 (hg19) VCF-style: chr14-64681006-G-A.
Other names: c.19151G>A, p.Ser6384Asn (NM_015180.6); c.53G>A, p.Ser18Asn (NM_182913.4); short protein forms S18N, S6384N.
Identifiers: ClinVar variation 943650 (VCV000943650.9), dbSNP rs1440528762, ClinGen allele CA389956442.